The following is an entry in ClinVar:

ClinVar aggregate classification (germline): Uncertain significance. Review status: criteria provided, multiple submitters, no conflicts (2 of 4 stars). 2 submissions from 2 submitters: Uncertain significance (2). Last evaluated 2021-09-01.

Conditions:
Absence seizure. Also called: Absence epilepsy. Identifiers: Orphanet 1941, MedGen C0014553.
Myoclonic epilepsy, juvenile, susceptibility to, 1. Also called: Myoclonic Epilepsy, Juvenile, 1; EJM1. Identifiers: MedGen C1850778, MONDO:0020752, OMIM 254770.

Allele frequency attached by ClinVar (database versions not stated): gnomAD 0.00001; TOPMed 0.00001; gnomAD exomes 0.00002.
gnomAD v4.1: 27 of 1,613,974 alleles (0.0017%); highest among the groups gnomAD compares: African/African-American, 0.0053%; no homozygotes.

Submissions (2):

Ambry Genetics
Classification: Uncertain significance. Last evaluated: 2021-09-01. Review status: criteria provided, single submitter. Criteria: Ambry Variant Classification Scheme 2023. Collection method: clinical testing. Allele origin: germline.

Labcorp Genetics (formerly Invitae), Labcorp
Classification: Uncertain significance for Myoclonic epilepsy, juvenile, susceptibility to, 1; Absence seizure. Last evaluated: 2020-11-11. Review status: criteria provided, single submitter. Criteria: Invitae Variant Classification Sherloc (09022015). Collection method: clinical testing. Allele origin: germline.
Comment: In summary, the available evidence is currently insufficient to determine the role of this variant in disease. Therefore, it has been classified as a Variant of Uncertain Significance. Algorithms developed to predict the effect of missense changes on protein structure and function are either unavailable or do not agree on the potential impact of this missense change (SIFT: "Deleterious"; PolyPhen-2: "Probably Damaging"; Align-GVGD: "Class C0"). This variant has not been reported in the literature in individuals with EFHC1-related conditions. This variant is not present in population databases (ExAC no frequency). This sequence change replaces arginine with tryptophan at codon 281 of the EFHC1 protein (p.Arg281Trp). The arginine residue is moderately conserved and there is a moderate physicochemical difference between arginine and tryptophan.

NM_018100.4(EFHC1):c.841C>T (p.Arg281Trp)

Gene: EFHC1 (EF-hand domain containing 1; plus strand). Cytogenetic location: 6p12.2.
Variant type: single nucleotide variant.
Coding change: c.841C>T on transcript NM_018100.4 (MANE Select); coding-DNA position 841, C replaced by T.
Protein change: p.Arg281Trp; replaces arginine 281 with tryptophan.
Molecular consequence: missense variant. On other transcripts: non-coding transcript variant (1).
Genome position (GRCh38, 1-based): chr6:52,454,212, C>T. VCF-style: chr6-52454212-C-T. GRCh37 (hg19) VCF-style: chr6-52319010-C-T.
Other names: c.784C>T, p.Arg262Trp (NM_001172420.2); short protein forms R281W, R262W.
Identifiers: ClinVar variation 834596 (VCV000834596.12), dbSNP rs1172185919, ClinGen allele CA364452803.